The following is an entry in ClinVar:

ClinVar aggregate classification (germline): Likely pathogenic. Review status: criteria provided, single submitter (1 of 4 stars). 2 submissions from 2 submitters: Likely pathogenic (1). 1 of the submissions does not count toward it. Last evaluated 2022-07-23.

Conditions:
Perlman syndrome (PRLMNS). Identifiers: Orphanet 2849, MedGen C0796113, MONDO:0009965, OMIM 267000.
DIS3L2-related disorder. Also called: DIS3L2-related condition.

gnomAD v4.1: 1 of 1,596,224 alleles (0.000063%); highest among the groups gnomAD compares: African/African-American, 0.0013%; no homozygotes.

Submissions (2):

Labcorp Genetics (formerly Invitae), Labcorp
Classification: Likely pathogenic for Perlman syndrome. Last evaluated: 2022-07-23. Review status: criteria provided, single submitter. Criteria: Invitae Variant Classification Sherloc (09022015). Collection method: clinical testing. Allele origin: germline.
Comment: In summary, the currently available evidence indicates that the variant is pathogenic, but additional data are needed to prove that conclusively. Therefore, this variant has been classified as Likely Pathogenic. Algorithms developed to predict the effect of sequence changes on RNA splicing suggest that this variant may disrupt the consensus splice site. This variant has not been reported in the literature in individuals affected with DIS3L2-related conditions. The frequency data for this variant in the population databases is considered unreliable, as metrics indicate poor data quality at this position in the gnomAD database. This sequence change affects a donor splice site in intron 4 of the DIS3L2 gene. It is expected to disrupt RNA splicing. Variants that disrupt the donor or acceptor splice site typically lead to a loss of protein function (PMID: 16199547), and loss-of-function variants in DIS3L2 are known to be pathogenic (PMID: 22306653, 28328139).

PreventionGenetics, part of Exact Sciences
Classification: Likely pathogenic for DIS3L2-related condition. Last evaluated: 2024-08-12. Review status: no assertion criteria provided. Collection method: clinical testing. Allele origin: germline. Not counted in ClinVar's aggregate classification.
Comment: The DIS3L2 c.264+1G>A variant is predicted to disrupt the GT donor site and interfere with normal splicing. To our knowledge, this variant has not been reported in the literature. This variant is reported in 0.00090% of alleles in individuals of European (non-Finnish) descent in gnomAD and it has been classified as likely pathogenic by another institution in ClinVar. Variants that disrupt the consensus splice donor site in DIS3L2 are expected to be pathogenic. This variant is interpreted as likely pathogenic.

Literature cited by the submitters: PubMed 16199547 (cited by Labcorp Genetics (formerly Invitae), Labcorp); PubMed 22306653 (cited by Labcorp Genetics (formerly Invitae), Labcorp); PubMed 28328139 (cited by Labcorp Genetics (formerly Invitae), Labcorp).

NM_152383.5(DIS3L2):c.264+1G>A

Gene: DIS3L2 (DIS3 like 3'-5' exoribonuclease 2; plus strand). Cytogenetic location: 2q37.1.
Variant type: single nucleotide variant.
Coding change: c.264+1G>A on transcript NM_152383.5 (MANE Select); the canonical splice donor site of the intron after coding-DNA position 264, G replaced by A.
Molecular consequence: splice donor variant.
Genome position (GRCh38, 1-based): chr2:232,024,331, G>A. VCF-style: chr2-232024331-G-A. GRCh37 (hg19) VCF-style: chr2-232889041-G-A.
Other names: c.264+1G>A (NM_152383.4, NM_001257281.2, NM_001257282.2).
Identifiers: ClinVar variation 2019109 (VCV002019109.5), dbSNP rs1266710900, ClinGen allele CA351152827.